The following is an entry in ClinVar:

NM_001277313.2(FMN1):c.3913G>A (p.Glu1305Lys)

Gene: FMN1 (formin 1; minus strand). Cytogenetic location: 15q13.3.
Variant type: single nucleotide variant.
Coding change: c.3913G>A on transcript NM_001277313.2 (MANE Select); coding-DNA position 3913, G replaced by A.
Protein change: p.Glu1305Lys; replaces glutamic acid 1305 with lysine.
Molecular consequence: missense variant.
Genome position (GRCh38, 1-based): chr15:32,857,030, C>T on the plus strand (G>A on the coding strand, the complement: FMN1 is on the minus strand). VCF-style: chr15-32857030-C-T. GRCh37 (hg19) VCF-style: chr15-33149231-C-T.
Other names: c.3244G>A, p.Glu1082Lys (NM_001103184.4); short protein forms E1305K, E1082K.
Identifiers: ClinVar variation 3700102 (VCV003700102.2).

ClinVar aggregate classification (germline): Uncertain significance (1 of 4 stars; one submission).

Submission:

Labcorp Genetics (formerly Invitae), Labcorp
Classification: Uncertain significance. Last evaluated: 2024-05-09. Review status: criteria provided, single submitter. Criteria: Invitae Variant Classification Sherloc (09022015). Collection method: clinical testing. Allele origin: germline.
Comment: This sequence change replaces glutamic acid, which is acidic and polar, with lysine, which is basic and polar, at codon 1082 of the FMN1 protein (p.Glu1082Lys). This variant is not present in population databases (gnomAD no frequency). This variant has not been reported in the literature in individuals affected with FMN1-related conditions. An algorithm developed to predict the effect of missense changes on protein structure and function (PolyPhen-2) suggests that this variant is likely to be disruptive. In summary, the available evidence is currently insufficient to determine the role of this variant in disease. Therefore, it has been classified as a Variant of Uncertain Significance.